The following is an entry in ClinVar:

NM_001079866.2(BCS1L):c.889+1G>T

Gene: BCS1L (BCS1 ubiquinol-cytochrome c reductase complex chaperone; plus strand). Cytogenetic location: 2q35.
Variant type: single nucleotide variant.
Coding change: c.889+1G>T on transcript NM_001079866.2 (MANE Select); the canonical splice donor site of the intron after coding-DNA position 889, G replaced by T.
Molecular consequence: splice donor variant.
Genome position (GRCh38, 1-based): chr2:218,662,680, G>T. VCF-style: chr2-218662680-G-T. GRCh37 (hg19) VCF-style: chr2-219527403-G-T.
Other names: c.889+1G>T (NM_001374085.1, NM_001371446.1, NM_001371450.1 and 10 more transcripts); c.388+1G>T (NM_001374086.1, NM_001371454.1, NM_001371453.1 and 3 more transcripts); c.529+1G>T (NM_001371451.1, NM_001318836.2).
Identifiers: ClinVar variation 370247 (VCV000370247.16), dbSNP rs1057516346, ClinGen allele CA16040864.
Genomic context (GRCh38, chr2:218,662,680, plus strand): 5'-GCCTGGTACTCCTGGAGGATGTGGATGCTGCTTTTCTCAGTCGAGACTTGGCTGTGGAGA[G>T]TAAGTGAGGGGTTCTGGAGGAAGTGGAGTGGGTAACTGTGGAACAGGGGAAGAAAGCAGA-3'

ClinVar aggregate classification (germline): Pathogenic/Likely pathogenic. Review status: criteria provided, multiple submitters, no conflicts (2 of 4 stars). 6 submissions from 6 submitters: Pathogenic (1); Likely pathogenic (4). 1 of the submissions does not count toward it. Last evaluated 2025-08-28.

Conditions:
Pili torti-deafness syndrome (BJS). Also called: PILI TORTI AND NERVE DEAFNESS; Bjornstad syndrome. Identifiers: Orphanet 123, MedGen C0266006, MONDO:0009872, OMIM 262000.
GRACILE syndrome (FLNMS). Also called: FELLMAN SYNDROME; FINNISH LETHAL NEONATAL METABOLIC SYNDROME. Identifiers: Orphanet 53693, MedGen C1864002, MONDO:0011308, OMIM 603358.
Mitochondrial complex III deficiency nuclear type 1. Identifiers: Orphanet 254902, MedGen C3541471, MONDO:0007415, OMIM 124000.

Allele frequency attached by ClinVar (database versions not stated): gnomAD exomes 0.00001 and 0.00002.
gnomAD v4.1: 31 of 1,614,118 alleles (0.0019%); highest among the groups gnomAD compares: Non-Finnish European, 0.0025%; no homozygotes.

Submissions (6):

Natera, Inc.
Classification: Likely pathogenic for GRACILE syndrome. Last evaluated: 2025-08-28. Review status: criteria provided, single submitter. Criteria: Natera Variant Classification Schema (03/2026). Collection method: clinical testing. Allele origin: germline.
Comment: The c.889+1G>T variant in BCS1L is a canonical splice donor site variant predicted to affect pre-mRNA splicing, which may result in an abnormal transcript and altered protein product. This variant is expected to result in nonsense mediated decay, truncation, or a dysfunctional protein product. This variant is rare in the general population with a frequency below the threshold expected for the associated phenotype(s). Given the available evidence, this variant is classified as Likely Pathogenic.

GeneDx
Classification: Pathogenic. Last evaluated: 2024-09-22. Review status: criteria provided, single submitter. Criteria: GeneDx Variant Classification Process June 2021. Collection method: clinical testing. Allele origin: germline. Affected: yes.
Comment: Canonical splice site variant predicted to result in a null allele in a gene for which loss of function is a known mechanism of disease; Not observed at significant frequency in large population cohorts (gnomAD); Has not been previously published as pathogenic or benign to our knowledge

Labcorp Genetics (formerly Invitae), Labcorp
Classification: Likely pathogenic. Last evaluated: 2023-08-24. Review status: criteria provided, single submitter. Criteria: Invitae Variant Classification Sherloc (09022015). Collection method: clinical testing. Allele origin: germline.
Comment: This sequence change affects a donor splice site in intron 7 of the BCS1L gene. It is expected to disrupt RNA splicing. Variants that disrupt the donor or acceptor splice site typically lead to a loss of protein function (PMID: 16199547), and loss-of-function variants in BCS1L are known to be pathogenic (PMID: 12215968, 17314340, 19162478, 19508421, 22277166, 25895478). This variant is present in population databases (no rsID available, gnomAD 0.002%). This variant has not been reported in the literature in individuals affected with BCS1L-related conditions. ClinVar contains an entry for this variant (Variation ID: 370247). Algorithms developed to predict the effect of sequence changes on RNA splicing suggest that this variant may disrupt the consensus splice site. In summary, the currently available evidence indicates that the variant is pathogenic, but additional data are needed to prove that conclusively. Therefore, this variant has been classified as Likely Pathogenic.

Baylor Genetics
Classification: Likely pathogenic for Pili torti-deafness syndrome. Last evaluated: 2023-05-23. Review status: criteria provided, single submitter. Criteria: ACMG Guidelines, 2015. Collection method: clinical testing. Allele origin: unknown.

Fulgent Genetics
Classification: Likely pathogenic for Mitochondrial complex III deficiency nuclear type 1; Pili torti-deafness syndrome; GRACILE syndrome. Last evaluated: 2021-12-25. Review status: criteria provided, single submitter. Criteria: ACMG Guidelines, 2015. Collection method: clinical testing. Allele origin: unknown.

Counsyl
Classification: Likely pathogenic for GRACILE syndrome. Last evaluated: 2015-12-27. Review status: no assertion criteria provided. Collection method: clinical testing. Allele origin: unknown. Not counted in ClinVar's aggregate classification.

Literature cited by the submitters: PubMed 16199547 (cited by Labcorp Genetics (formerly Invitae), Labcorp); PubMed 12215968 (cited by Labcorp Genetics (formerly Invitae), Labcorp); PubMed 17314340 (cited by Labcorp Genetics (formerly Invitae), Labcorp); PubMed 19162478 (cited by Labcorp Genetics (formerly Invitae), Labcorp); PubMed 19508421 (cited by Labcorp Genetics (formerly Invitae), Labcorp); PubMed 22277166 (cited by Labcorp Genetics (formerly Invitae), Labcorp); PubMed 25895478 (cited by Labcorp Genetics (formerly Invitae), Labcorp).